The following is an entry in ClinVar:

NM_138694.4(PKHD1):c.1414C>T (p.Gln472Ter)

Gene: PKHD1 (PKHD1 ciliary IPT domain containing fibrocystin/polyductin; minus strand). Cytogenetic location: 6p12.2.
Variant type: single nucleotide variant.
Coding change: c.1414C>T on transcript NM_138694.4 (MANE Select); coding-DNA position 1414, C replaced by T.
Protein change: p.Gln472Ter; replaces glutamine 472 with a stop codon.
Molecular consequence: nonsense.
Genome position (GRCh38, 1-based): chr6:52,058,421, G>A on the plus strand (C>T on the coding strand, the complement: PKHD1 is on the minus strand). VCF-style: chr6-52058421-G-A. GRCh37 (hg19) VCF-style: chr6-51923219-G-A.
Other names: c.1414C>T, p.Gln472Ter (NM_170724.3); c.1414C>T (NM_138694.3); short protein forms Q472*.
Identifiers: ClinVar variation 2177256 (VCV002177256.8), dbSNP rs1200570964, ClinGen allele CA364426537.

ClinVar aggregate classification (germline): Pathogenic/Likely pathogenic. Review status: criteria provided, multiple submitters, no conflicts (2 of 4 stars). 4 submissions from 4 submitters: Pathogenic (3); Likely pathogenic (1). Last evaluated 2025-08-12.

Conditions:
Polycystic kidney disease 4 (PKD4). Also called: POLYCYSTIC KIDNEY AND HEPATIC DISEASE 1; POLYCYSTIC KIDNEY DISEASE, INFANTILE, TYPE I; POLYCYSTIC KIDNEY DISEASE 4 WITH OR WITHOUT POLYCYSTIC LIVER DISEASE; PKD3; Autosomal Recessive Polycystic Kidney Disease – PKHD1. Identifiers: MedGen C4540575, MONDO:0033004, OMIM 263200.
Autosomal recessive polycystic kidney disease (ARPKD). Also called: AR polycystic kidney disease. Identifiers: Orphanet 731, Orphanet 8378, MedGen C0085548, MeSH D017044, MONDO:0009889.

Allele frequency attached by ClinVar (database versions not stated): gnomAD exomes below 0.00001; TOPMed below 0.00001.
gnomAD v4.1: 1 of 1,614,138 alleles (0.000062%); highest among the groups gnomAD compares: Admixed American, 0.0017%; no homozygotes.

Submissions (4):

Natera, Inc.
Classification: Likely pathogenic for Autosomal recessive polycystic kidney disease. Last evaluated: 2025-08-12. Review status: criteria provided, single submitter. Criteria: Natera Variant Classification Schema (03/2026). Collection method: clinical testing. Allele origin: germline.
Comment: The c.1414C>T variant in PKHD1 is a nonsense variant predicted to introduce a stop codon at amino acid 472. This variant is expected to result in nonsense mediated decay, truncation, or a dysfunctional protein product. This variant is rare in the general population with a frequency below the threshold expected for the associated phenotype(s). Given the available evidence, this variant is classified as Likely Pathogenic.

3billion
Classification: Pathogenic for Polycystic kidney disease 4. Last evaluated: 2025-04-22. Review status: criteria provided, single submitter. Criteria: ACMG Guidelines, 2015. Collection method: clinical testing. Allele origin: germline. Affected: yes.
Comment: The variant is observed at an extremely low frequency in the gnomAD v4.1.0 dataset (total allele frequency: <0.001%). Predicted Consequence/Location: Stop-gained (nonsense): predicted to result in a loss or disruption of normal protein function through nonsense-mediated decay (NMD) or protein truncation. Multiple pathogenic variants are reported downstream of the variant. The variant has been reported to be associated with PKHD1-related disorder (ClinVar ID: VCV002177256). Therefore, this variant is classified as Pathogenic according to the recommendation of ACMG/AMP guideline.

Women's Health and Genetics/Laboratory Corporation of America, LabCorp
Classification: Pathogenic for Autosomal recessive polycystic kidney disease. Last evaluated: 2025-01-27. Review status: criteria provided, single submitter. Criteria: LabCorp Variant Classification Summary - May 2015. Collection method: clinical testing. Allele origin: germline.
Comment: Variant summary: PKHD1 c.1414C>T (p.Gln472X) results in a premature termination codon, predicted to cause a truncation of the encoded protein or absence of the protein due to nonsense mediated decay, which are commonly known mechanisms for disease. The variant allele was found at a frequency of 4e-06 in 251254 control chromosomes (gnomAD). To our knowledge, no occurrence of c.1414C>T in individuals affected with Polycystic Kidney And Hepatic Disease and no experimental evidence demonstrating its impact on protein function have been reported. ClinVar contains an entry for this variant (Variation ID: 2177256). Based on the evidence outlined above, the variant was classified as pathogenic.

Labcorp Genetics (formerly Invitae), Labcorp
Classification: Pathogenic for Autosomal recessive polycystic kidney disease. Last evaluated: 2023-08-30. Review status: criteria provided, single submitter. Criteria: Invitae Variant Classification Sherloc (09022015). Collection method: clinical testing. Allele origin: germline.
Comment: This variant is present in population databases (no rsID available, gnomAD 0.003%). For these reasons, this variant has been classified as Pathogenic. ClinVar contains an entry for this variant (Variation ID: 2177256). This variant has not been reported in the literature in individuals affected with PKHD1-related conditions. This sequence change creates a premature translational stop signal (p.Gln472*) in the PKHD1 gene. It is expected to result in an absent or disrupted protein product. Loss-of-function variants in PKHD1 are known to be pathogenic (PMID: 19940839).

Literature cited by the submitters: PubMed 19940839 (cited by Labcorp Genetics (formerly Invitae), Labcorp).